The following is an entry in ClinVar:

ClinVar aggregate classification (germline): Uncertain significance (1 of 4 stars; one submission).

Allele frequency attached by ClinVar (database versions not stated): TOPMed 0.00001.

Submission:

Labcorp Genetics (formerly Invitae), Labcorp
Classification: Uncertain significance. Last evaluated: 2021-08-26. Review status: criteria provided, single submitter. Criteria: Invitae Variant Classification Sherloc (09022015). Collection method: clinical testing. Allele origin: germline.
Comment: This sequence change replaces glutamic acid with lysine at codon 31 of the GNPTG protein (p.Glu31Lys). The glutamic acid residue is highly conserved and there is a small physicochemical difference between glutamic acid and lysine. The frequency data for this variant in the population databases is considered unreliable, as metrics indicate insufficient coverage at this position in the ExAC database. This variant has not been reported in the literature in individuals affected with GNPTG-related conditions. Algorithms developed to predict the effect of missense changes on protein structure and function are either unavailable or do not agree on the potential impact of this missense change (SIFT: "Deleterious"; PolyPhen-2: "Possibly Damaging"; Align-GVGD: "Class C0"). In summary, the available evidence is currently insufficient to determine the role of this variant in disease. Therefore, it has been classified as a Variant of Uncertain Significance.

NM_032520.5(GNPTG):c.91G>A (p.Glu31Lys)

Genes: GNPTG (N-acetylglucosamine-1-phosphate transferase subunit gamma; plus strand), LOC130058158 (ATAC-STARR-seq lymphoblastoid silent region 6972; plus strand). Cytogenetic location: 16p13.3.
Variant type: single nucleotide variant.
Coding change: c.91G>A on transcript NM_032520.5 (MANE Select); coding-DNA position 91, G replaced by A.
Protein change: p.Glu31Lys; replaces glutamic acid 31 with lysine.
Molecular consequence: missense variant.
Genome position (GRCh38, 1-based): chr16:1,352,140, G>A. VCF-style: chr16-1352140-G-A. GRCh37 (hg19) VCF-style: chr16-1402141-G-A.
Other names: short protein forms E31K.
Identifiers: ClinVar variation 1397713 (VCV001397713.5), dbSNP rs984755560, ClinGen allele CA276642746.
Genomic context (GRCh38, chr16:1,352,140, plus strand): 5'-CTCACGGTCTCGCTCCCCGTAGGGCCCGCGCCGGCAGGTGCAGCGAAGATGAAGGTGGTG[G>A]AGGAGCCCAACGCGTTTGGGTGAGCAGCCTCGCGGGCTGGCGGCTCGAGCGGGGGACGGC-3'
Protein context (NP_115909.1, residues 21-41): PAGAAKMKVV[Glu31Lys]EPNAFGVNNP